The following is an entry in ClinVar:

NM_001276270.2(MBD4):c.1719A>G (p.Leu573=)

Gene: MBD4 (methyl-CpG binding domain 4, DNA glycosylase; minus strand). Cytogenetic location: 3q21.3.
Variant type: single nucleotide variant.
Coding change: c.1719A>G on transcript NM_001276270.2 (MANE Select); coding-DNA position 1719, A replaced by G.
Protein change: p.Leu573=; no amino-acid change (leucine 573 retained).
Molecular consequence: synonymous variant. On other transcripts: 3 prime UTR variant (1).
Genome position (GRCh38, 1-based): chr3:129,431,507, T>C on the plus strand (A>G on the coding strand, the complement: MBD4 is on the minus strand). VCF-style: chr3-129431507-T-C. GRCh37 (hg19) VCF-style: chr3-129150350-T-C.
Other names: c.*61A>G (NM_001276272.2); c.783A>G, p.Leu261= (NM_001276273.2); c.1737A>G, p.Leu579= (NM_003925.3).
Identifiers: ClinVar variation 3870892 (VCV003870892.3).
Genomic context (GRCh38, chr3:129,431,507, plus strand): 5'-GCTTTTTTGAAGTGCAAAGCTATGCATAACAGATGAGCTTGAAAGCTGCAGAGTTTAAGA[T>C]AGACTTAATTTTTCATGATTTTCCCAAAGCCAGTCATGATATTTATTTAATTTGTGGTCT-3'
Protein context (NP_001263199.1, residues 563-574): WLWENHEKLS[Leu573=]S

ClinVar aggregate classification (germline): Benign/Likely benign. Review status: criteria provided, multiple submitters, no conflicts (2 of 4 stars). 3 submissions from 3 submitters: Benign (1); Likely benign (2). Last evaluated 2026-06-12.

Conditions:
Inborn genetic diseases. Identifiers: MedGen C0950123, MeSH D030342.
Tumor predisposition syndrome 2 (TPDS2). Also called: MBD4-Related Tumor Predisposition Syndrome; MBD4-associated neoplasia syndrome (MANS); MBD4-ASSOCIATED NEOPLASIA SYNDROME. Identifiers: Orphanet 661526, MedGen C5774186, MONDO:0859267, OMIM 619975.

gnomAD v4.1: 4 of 1,612,808 alleles (0.00025%); highest among the groups gnomAD compares: Non-Finnish European, 0.00025%; no homozygotes.

Submissions (3):

Myriad Genetics, Inc.
Classification: Benign for Tumor predisposition syndrome 2. Last evaluated: 2026-06-12. Review status: criteria provided, single submitter. Criteria: Myriad Autosomal Dominant, Autosomal Recessive and X-Linked Classification Criteria (2023). Collection method: clinical testing. Allele origin: unknown.
Comment: This variant is considered benign. This variant is a silent/synonymous amino acid change and it is not expected to impact splicing.

Labcorp Genetics (formerly Invitae), Labcorp
Classification: Likely benign. Last evaluated: 2026-01-08. Review status: criteria provided, single submitter. Criteria: Invitae Variant Classification Sherloc (09022015). Collection method: clinical testing. Allele origin: germline.

Ambry Genetics
Classification: Likely benign for Inborn genetic diseases. Last evaluated: 2025-01-10. Review status: criteria provided, single submitter. Criteria: Ambry Variant Classification Scheme 2023. Collection method: clinical testing. Allele origin: germline.